The following is an entry in ClinVar:

ClinVar aggregate classification (germline): Uncertain significance. Review status: criteria provided, multiple submitters, no conflicts (2 of 4 stars). 3 submissions from 3 submitters: Uncertain significance (3). Last evaluated 2026-03-27.

Conditions:
EYS-related disorder. Also called: EYS-related condition.

Allele frequency attached by ClinVar (database versions not stated): gnomAD 0.00002; TOPMed 0.00003; gnomAD exomes 0.00004; ExAC 0.00009.
gnomAD v4.1: 61 of 1,551,138 alleles (0.0039%); highest among the groups gnomAD compares: Non-Finnish European, 0.005%; no homozygotes.

Submissions (3):

PreventionGenetics, part of Exact Sciences
Classification: Uncertain significance for EYS-related condition. Last evaluated: 2026-03-27. Review status: criteria provided, single submitter. Criteria: ACMG Guidelines, 2015. Collection method: clinical testing. Allele origin: germline.
Comment: The EYS c.9166A>G variant is predicted to result in the amino acid substitution p.Ile3056Val. To our knowledge, this variant has not been reported in the literature. This variant is present in 0.0066% of alleles in individuals of European (Non-Finnish) descent in gnomAD. At this time, the clinical significance of this variant is uncertain due to the absence of conclusive functional and genetic evidence.

Labcorp Genetics (formerly Invitae), Labcorp
Classification: Uncertain significance. Last evaluated: 2026-01-12. Review status: criteria provided, single submitter. Criteria: Invitae Variant Classification Sherloc (09022015). Collection method: clinical testing. Allele origin: germline.
Comment: This sequence change replaces isoleucine, which is neutral and non-polar, with valine, which is neutral and non-polar, at codon 3056 of the EYS protein (p.Ile3056Val). This variant is present in population databases (rs757350552, gnomAD 0.005%). This variant has not been reported in the literature in individuals affected with EYS-related conditions. ClinVar contains an entry for this variant (Variation ID: 2151654). Invitae Evidence Modeling of protein sequence and biophysical properties (such as structural, functional, and spatial information, amino acid conservation, physicochemical variation, residue mobility, and thermodynamic stability) has been performed for this missense variant. However, the output from this modeling did not meet the statistical confidence thresholds required to predict the impact of this variant on EYS protein function. In summary, the available evidence is currently insufficient to determine the role of this variant in disease. Therefore, it has been classified as a Variant of Uncertain Significance.

Blueprint Genetics
Classification: Uncertain significance. Last evaluated: 2023-09-13. Review status: criteria provided, single submitter. Criteria: ACMG Guidelines, 2015. Collection method: clinical testing. Allele origin: germline.

NM_001142800.2(EYS):c.9166A>G (p.Ile3056Val)

Genes: EYS (EGF-like photoreceptor maintenance factor; minus strand), PHF3 (PHD finger protein 3; plus strand). Cytogenetic location: 6q12.
Variant type: single nucleotide variant.
Coding change: c.9166A>G on transcript NM_001142800.2 (MANE Select); coding-DNA position 9166, A replaced by G.
Protein change: p.Ile3056Val; replaces isoleucine 3056 with valine.
Molecular consequence: missense variant. On other transcripts: 3 prime UTR variant (5).
Genome position (GRCh38, 1-based): chr6:63,720,865, T>C on the plus strand (A>G on the coding strand, the complement: EYS is on the minus strand). VCF-style: chr6-63720865-T-C. GRCh37 (hg19) VCF-style: chr6-64430761-T-C.
Other names: c.*7157T>C (NM_001290259.2, NM_001370348.2, NM_001370349.2 and 2 more transcripts); c.9229A>G, p.Ile3077Val (NM_001292009.2); c.9166A>G (NM_001142800.1); short protein forms I3056V, I3077V.
Identifiers: ClinVar variation 2151654 (VCV002151654.5), dbSNP rs757350552, ClinGen allele CA3876680.